The following is an entry in ClinVar:

NM_002519.3(NPAT):c.3857T>C (p.Ile1286Thr)

Gene: NPAT (nuclear protein, coactivator of histone transcription; minus strand). Cytogenetic location: 11q22.3.
Variant type: single nucleotide variant.
Coding change: c.3857T>C on transcript NM_002519.3 (MANE Select); coding-DNA position 3857, T replaced by C.
Protein change: p.Ile1286Thr; replaces isoleucine 1286 with threonine.
Molecular consequence: missense variant.
Genome position (GRCh38, 1-based): chr11:108,161,229, A>G on the plus strand (T>C on the coding strand, the complement: NPAT is on the minus strand). VCF-style: chr11-108161229-A-G. GRCh37 (hg19) VCF-style: chr11-108031956-A-G.
Other names: c.3878T>C, p.Ile1293Thr (NM_001321307.1); short protein forms I1286T, I1293T.
Identifiers: ClinVar variation 1336687 (VCV001336687.11), dbSNP rs779276672, ClinGen allele CA6263509.

ClinVar aggregate classification (germline): Uncertain significance. Review status: criteria provided, multiple submitters, no conflicts (2 of 4 stars). 3 submissions from 3 submitters: Uncertain significance (3). Last evaluated 2025-12-09.

Allele frequency attached by ClinVar (database versions not stated): gnomAD 0.00002; gnomAD exomes 0.00003 and 0.00015; TOPMed 0.00004; ExAC 0.00017.

Submissions (3):

Labcorp Genetics (formerly Invitae), Labcorp
Classification: Uncertain significance. Last evaluated: 2025-12-09. Review status: criteria provided, single submitter. Criteria: Invitae Variant Classification Sherloc (09022015). Collection method: clinical testing. Allele origin: germline.
Comment: This sequence change replaces isoleucine, which is neutral and non-polar, with threonine, which is neutral and polar, at codon 1286 of the NPAT protein (p.Ile1286Thr). This variant is present in population databases (rs779276672, gnomAD 0.1%), and has an allele count higher than expected for a pathogenic variant. This variant has not been reported in the literature in individuals affected with NPAT-related conditions. ClinVar contains an entry for this variant (Variation ID: 1336687). An algorithm developed to predict the effect of missense changes on protein structure and function (PolyPhen-2) suggests that this variant is likely to be tolerated. In summary, the available evidence is currently insufficient to determine the role of this variant in disease. Therefore, it has been classified as a Variant of Uncertain Significance.

Ambry Genetics
Classification: Uncertain significance. Last evaluated: 2024-10-09. Review status: criteria provided, single submitter. Criteria: Ambry Variant Classification Scheme 2023. Collection method: clinical testing. Allele origin: germline.

Genetic Services Laboratory, University of Chicago
Classification: Uncertain significance. Last evaluated: 2020-08-25. Review status: criteria provided, single submitter. Criteria: ACMG Guidelines, 2015. Collection method: clinical testing. Allele origin: germline. Affected: no.